The following is an entry in ClinVar:

ClinVar aggregate classification (germline): Uncertain significance (1 of 4 stars; one submission).

Submission:

GeneDx
Classification: Uncertain significance. Last evaluated: 2024-09-10. Review status: criteria provided, single submitter. Criteria: GeneDx Variant Classification Process June 2021. Collection method: clinical testing. Allele origin: germline. Affected: yes.
Comment: Not observed at significant frequency in large population cohorts (gnomAD); In silico analysis indicates that this missense variant does not alter protein structure/function; Has not been previously published as pathogenic or benign to our knowledge

NM_000352.6(ABCC8):c.3496G>A (p.Ala1166Thr)

Gene: ABCC8 (ATP binding cassette subfamily C member 8; minus strand). Cytogenetic location: 11p15.1.
Variant type: single nucleotide variant.
Coding change: c.3496G>A on transcript NM_000352.6 (MANE Select); coding-DNA position 3496, G replaced by A.
Protein change: p.Ala1166Thr; replaces alanine 1166 with threonine.
Molecular consequence: missense variant. On other transcripts: non-coding transcript variant (1).
Genome position (GRCh38, 1-based): chr11:17,404,573, C>T on the plus strand (G>A on the coding strand, the complement: ABCC8 is on the minus strand). VCF-style: chr11-17404573-C-T. GRCh37 (hg19) VCF-style: chr11-17426120-C-T.
Other names: c.3499G>A, p.Ala1167Thr (NM_001287174.3); c.3562G>A, p.Ala1188Thr (NM_001351295.2); c.3496G>A, p.Ala1166Thr (NM_001351296.2); c.3493G>A, p.Ala1165Thr (NM_001351297.2); short protein forms A1165T, A1166T, A1167T, A1188T.
Identifiers: ClinVar variation 3767565 (VCV003767565.1).
Genomic context (GRCh38, chr11:17,404,573, plus strand): 5'-TGGACGCCACCCGGAAGTACTTCTGGATGAAGTAGCACACGATGGCCAGGGGCAAGAGGG[C>T]CACGAGGAACACAGGTGTGACATAGGAGATGACGGCCAGGGCTGAGACACAGAGCAGGGT-3'
Protein context (NP_000343.2, residues 1156-1176): ISYVTPVFLV[Ala1166Thr]LLPLAIVCYF